The following is an entry in ClinVar:

NM_000660.7(TGFB1):c.133C>T (p.Arg45Cys)

Genes: TGFB1 (transforming growth factor beta 1; minus strand), LOC130064510 (ATAC-STARR-seq lymphoblastoid silent region 10661; plus strand). Cytogenetic location: 19q13.2.
Variant type: single nucleotide variant.
Coding change: c.133C>T on transcript NM_000660.7 (MANE Select); coding-DNA position 133, C replaced by T.
Protein change: p.Arg45Cys; replaces arginine 45 with cysteine.
Molecular consequence: missense variant.
Genome position (GRCh38, 1-based): chr19:41,352,912, G>A on the plus strand (C>T on the coding strand, the complement: TGFB1 is on the minus strand). VCF-style: chr19-41352912-G-A. GRCh37 (hg19) VCF-style: chr19-41858817-G-A.
Other names: short protein forms R45C.
Identifiers: ClinVar variation 487577 (VCV000487577.3), dbSNP rs1555755308, ClinGen allele CA406006064.

ClinVar aggregate classification (germline): Likely pathogenic. Review status: criteria provided, single submitter (1 of 4 stars). 3 submissions from 3 submitters: Likely pathogenic (1). 2 of the submissions do not count toward it. Last evaluated 2019-02-27.

Conditions:
Inflammatory bowel disease, immunodeficiency, and encephalopathy. Identifiers: Orphanet 565788, MedGen C4748708, MONDO:0032601, OMIM 618213.
Encephalopathy. Also called: Unspecified encephalopathy. Identifiers: MedGen C0085584, HP:0001298.
IL10-related early-onset inflammatory bowel disease. Also called: Immune dysregulation-inflammatory bowel disease-arthritis-recurrent infections syndrome; Autosomal recessive early-onset inflammatory bowel disease. Identifiers: Orphanet 238569, MedGen C4749850, MONDO:0016542.

Allele frequency attached by ClinVar (database versions not stated): gnomAD exomes below 0.00001.
gnomAD v4.1: 1 of 1,557,836 alleles (0.000064%); highest among the groups gnomAD compares: South Asian, 0.0012%; no homozygotes.

Submissions (3):

SIB Swiss Institute of Bioinformatics
Classification: Likely pathogenic for Inflammatory bowel disease, immunodeficiency, and encephalopathy. Last evaluated: 2019-02-27. Review status: criteria provided, single submitter. Criteria: ACMG Guidelines, 2015. Collection method: curation. Allele origin: unknown.
Comment: This variant is interpreted as a Likely pathogenic for Inflammatory bowel disease, immunodeficiency, and encephalopathy, autosomal recessive. The following ACMG Tag(s) were applied: PM2: Absent from controls (or at extremely low frequency if recessive) in Exome Sequencing Project, 1000 Genomes Project, or Exome Aggregation Consortium. PP3 : Multiple lines of computational evidence support a deleterious effect on the gene or gene product. PS3-Moderate : PS3 downgraded in strength to Moderate (PMID:29483653). PP1 : Cosegregation with disease in multiple affected family members in a gene definitively known to cause the disease (PMID:29483653).

OMIM
Classification: Pathogenic for INFLAMMATORY BOWEL DISEASE, IMMUNODEFICIENCY, AND ENCEPHALOPATHY. Last evaluated: 2018-12-04. Review status: no assertion criteria provided. Collection method: literature only. Allele origin: germline. Not counted in ClinVar's aggregate classification.

Klein lab, Ludwig-Maximilians-University
Classification: Pathogenic for IL10-related early-onset inflammatory bowel disease; Encephalopathy. Last evaluated: 2017-01-01. Review status: no assertion criteria provided. Collection method: research. Allele origin: germline. Inheritance: Autosomal recessive inheritance. Affected: yes. Observed: 2 variant alleles, 2 homozygotes. Not counted in ClinVar's aggregate classification.
Comment: Variant is associated with primary immunodeficiency, inflammatory bowel disease and encephalopathy.

Literature cited by the submitters: PubMed 29483653 (cited by SIB Swiss Institute of Bioinformatics and OMIM).